The following is an entry in ClinVar:

ClinVar aggregate classification (germline): Uncertain significance (1 of 4 stars; one submission).

Conditions:
Episodic ataxia type 1 (EA1). Also called: MYOKYMIA WITH PERIODIC ATAXIA; PAROXYSMAL ATAXIA WITH NEUROMYOTONIA, HEREDITARY; ATAXIA, EPISODIC, WITH MYOKYMIA; Episodic ataxia/myokymia syndrome. Identifiers: Orphanet 37612, Orphanet 972, MedGen C1719788, MONDO:0008047, OMIM 160120.

Submission:

Labcorp Genetics (formerly Invitae), Labcorp
Classification: Uncertain significance for Episodic ataxia type 1. Last evaluated: 2023-05-16. Review status: criteria provided, single submitter. Criteria: Invitae Variant Classification Sherloc (09022015). Collection method: clinical testing. Allele origin: germline.
Comment: ClinVar contains an entry for this variant (Variation ID: 2006810). This sequence change replaces isoleucine, which is neutral and non-polar, with phenylalanine, which is neutral and non-polar, at codon 335 of the KCNA1 protein (p.Ile335Phe). This variant is not present in population databases (gnomAD no frequency). This variant has not been reported in the literature in individuals affected with KCNA1-related conditions. Advanced modeling of protein sequence and biophysical properties (such as structural, functional, and spatial information, amino acid conservation, physicochemical variation, residue mobility, and thermodynamic stability) has been performed at Invitae for this missense variant, however the output from this modeling did not meet the statistical confidence thresholds required to predict the impact of this variant on KCNA1 protein function. In summary, the available evidence is currently insufficient to determine the role of this variant in disease. Therefore, it has been classified as a Variant of Uncertain Significance.

NM_000217.3(KCNA1):c.1003A>T (p.Ile335Phe)

Gene: KCNA1 (potassium voltage-gated channel subfamily A member 1; plus strand). Cytogenetic location: 12p13.32.
Variant type: single nucleotide variant.
Coding change: c.1003A>T on transcript NM_000217.3 (MANE Select); coding-DNA position 1003, A replaced by T.
Protein change: p.Ile335Phe; replaces isoleucine 335 with phenylalanine.
Molecular consequence: missense variant.
Genome position (GRCh38, 1-based): chr12:4,912,381, A>T. VCF-style: chr12-4912381-A-T. GRCh37 (hg19) VCF-style: chr12-5021547-A-T.
Other names: short protein forms I335F.
Identifiers: ClinVar variation 2006810 (VCV002006810.4), dbSNP rs2497353577, ClinGen allele CA383455817.